The following is an entry in ClinVar:

ClinVar aggregate classification (germline): Uncertain significance (1 of 4 stars; one submission).

Allele frequency attached by ClinVar (database versions not stated): TOPMed below 0.00001; gnomAD 0.00001; gnomAD exomes 0.00001 and 0.00003; ExAC 0.00003.
gnomAD v4.1: 19 of 1,614,022 alleles (0.0012%); highest among the groups gnomAD compares: East Asian, 0.0045%; no homozygotes.

Submission:

Labcorp Genetics (formerly Invitae), Labcorp
Classification: Uncertain significance. Last evaluated: 2023-07-03. Review status: criteria provided, single submitter. Criteria: Invitae Variant Classification Sherloc (09022015). Collection method: clinical testing. Allele origin: germline.
Comment: In summary, the available evidence is currently insufficient to determine the role of this variant in disease. Therefore, it has been classified as a Variant of Uncertain Significance. Advanced modeling of protein sequence and biophysical properties (such as structural, functional, and spatial information, amino acid conservation, physicochemical variation, residue mobility, and thermodynamic stability) has been performed at Invitae for this missense variant, however the output from this modeling did not meet the statistical confidence thresholds required to predict the impact of this variant on MERTK protein function. ClinVar contains an entry for this variant (Variation ID: 1518359). This variant has not been reported in the literature in individuals affected with MERTK-related conditions. This variant is present in population databases (rs760743544, gnomAD 0.02%). This sequence change replaces proline, which is neutral and non-polar, with leucine, which is neutral and non-polar, at codon 494 of the MERTK protein (p.Pro494Leu).

NM_006343.3(MERTK):c.1481C>T (p.Pro494Leu)

Gene: MERTK (MER proto-oncogene, tyrosine kinase; plus strand). Cytogenetic location: 2q13.
Variant type: single nucleotide variant.
Coding change: c.1481C>T on transcript NM_006343.3 (MANE Select); coding-DNA position 1481, C replaced by T.
Protein change: p.Pro494Leu; replaces proline 494 with leucine.
Molecular consequence: missense variant.
Genome position (GRCh38, 1-based): chr2:111,997,353, C>T. VCF-style: chr2-111997353-C-T. GRCh37 (hg19) VCF-style: chr2-112754930-C-T.
Other names: short protein forms P494L.
Identifiers: ClinVar variation 1518359 (VCV001518359.7), dbSNP rs760743544, ClinGen allele CA1831440.